The following is an entry in ClinVar:

NM_000275.3(OCA2):c.2177_2181del (p.Val726fs)

Gene: OCA2 (OCA2 melanosomal transmembrane protein; minus strand). Cytogenetic location: 15q13.1.
Variant type: Deletion.
Coding change: c.2177_2181del on transcript NM_000275.3 (MANE Select); coding-DNA positions 2177 to 2181, 5 bases deleted (TCCTG; older notation c.2177_2181delTCCTG).
Protein change: p.Val726fs; shifts the reading frame from valine 726.
Molecular consequence: frameshift variant.
Genome position (GRCh38, 1-based): chr15:27,871,217-27,871,221, CAGGA deleted on the plus strand (TCCTG on the coding strand, the reverse complement: OCA2 is on the minus strand); deleting any 5 consecutive bases within chr15:27,871,217-27,871,223 gives the same sequence; the c. name uses the placement nearest the transcript's 3' end. VCF-style (leftmost placement, unchanged base first): chr15-27871216-CCAGGA-C. GRCh37 (hg19) VCF-style: chr15-28116362-CCAGGA-C.
Other names: c.2177_2181delTCCTG (NM_000275.3); c.2105_2109del, p.Val702fs (NM_001300984.2); c.2177_2181del5 (NM_000275.2); c.2177_2181del (NM_000275.2); short protein forms V702fs, V726fs.
Identifiers: ClinVar variation 498226 (VCV000498226.19), dbSNP rs771620099, ClinGen allele CA7438713.

ClinVar aggregate classification (germline): Pathogenic/Likely pathogenic. Review status: criteria provided, multiple submitters, no conflicts (2 of 4 stars). 8 submissions from 8 submitters: Pathogenic (6); Likely pathogenic (1). 1 of the submissions does not count toward it. Last evaluated 2025-12-22.

Conditions:
OCA2-related disorder. Also called: OCA2-related condition.
Tyrosinase-positive oculocutaneous albinism (OCA2). Also called: Oculocutaneous albinism type 2; Albinism, oculocutaneous, type II; ALBINISM II. Identifiers: Orphanet 79432, MedGen C0268495, MONDO:0008746, OMIM 203200.
SKIN/HAIR/EYE PIGMENTATION 1, BLUE/NONBLUE EYES (SHEP1). Also called: EYE COLOR 3; EYE COLOR, BLUE/NONBLUE; EYE COLOR, BROWN/BLUE; BROWN EYE COLOR 2; HAIR COLOR 3; SKIN/HAIR/EYE PIGMENTATION 1, BLOND/BROWN HAIR. Identifiers: MedGen C1856895, OMIM 227220.

Submissions (8):

Labcorp Genetics (formerly Invitae), Labcorp
Classification: Pathogenic. Last evaluated: 2025-12-22. Review status: criteria provided, single submitter. Criteria: Invitae Variant Classification Sherloc (09022015). Collection method: clinical testing. Allele origin: germline.
Comment: This sequence change creates a premature translational stop signal (p.Val726Glyfs*13) in the OCA2 gene. It is expected to result in an absent or disrupted protein product. Loss-of-function variants in OCA2 are known to be pathogenic (PMID: 19865097, 21541274). This variant is present in population databases (rs771620099, gnomAD 0.02%). This premature translational stop signal has been observed in individual(s) with a family history of oculocutaneous albinism (PMID: 7762554). This variant is also known as V726-L727delGTCCT. ClinVar contains an entry for this variant (Variation ID: 498226). For these reasons, this variant has been classified as Pathogenic.

GeneDx
Classification: Pathogenic. Last evaluated: 2025-05-07. Review status: criteria provided, single submitter. Criteria: GeneDx Variant Classification Process June 2021. Collection method: clinical testing. Allele origin: germline. Affected: yes.
Comment: Frameshift variant predicted to result in protein truncation or nonsense mediated decay in a gene for which loss of function is a known mechanism of disease; This variant is associated with the following publications: (PMID: 7762554, 33808351)

Women's Health and Genetics/Laboratory Corporation of America, LabCorp
Classification: Pathogenic for Tyrosinase-positive oculocutaneous albinism. Last evaluated: 2024-10-16. Review status: criteria provided, single submitter. Criteria: LabCorp Variant Classification Summary - May 2015. Collection method: clinical testing. Allele origin: germline.
Comment: Variant summary: OCA2 c.2177_2181delTCCTG (p.Val726GlyfsX13) results in a premature termination codon, predicted to cause a truncation of the encoded protein or absence of the protein due to nonsense mediated decay, which are commonly known mechanisms for disease. The variant allele was found at a frequency of 1.6e-05 in 251332 control chromosomes (gnomAD). c.2177_2181delTCCTG has been reported in the literature in at least one individual affected with Tyrosinase-Positive Oculocutaneous Albinism (Spritz_1995). To our knowledge, no experimental evidence demonstrating an impact on protein function has been reported. The following publication have been ascertained in the context of this evaluation (PMID: 7762554). ClinVar contains an entry for this variant (Variation ID: 498226). Based on the evidence outlined above, the variant was classified as pathogenic.

Blueprint Genetics
Classification: Pathogenic for OCA2-related disorders. Last evaluated: 2024-07-25. Review status: criteria provided, single submitter. Criteria: ACMG Guidelines, 2015. Collection method: clinical testing. Allele origin: germline. Affected: yes. Observed: 2 variant alleles.

Baylor Genetics
Classification: Likely pathogenic for SKIN/HAIR/EYE PIGMENTATION 1, BLUE/NONBLUE EYES. Last evaluated: 2024-02-17. Review status: criteria provided, single submitter. Criteria: ACMG Guidelines, 2015. Collection method: clinical testing. Allele origin: unknown.

Genome-Nilou Lab
Classification: Pathogenic for Tyrosinase-positive oculocutaneous albinism. Last evaluated: 2021-11-07. Review status: criteria provided, single submitter. Criteria: ACMG Guidelines, 2015. Collection method: clinical testing. Allele origin: germline. Affected: no.

Eurofins Ntd Llc (ga)
Classification: Pathogenic. Last evaluated: 2016-11-22. Review status: criteria provided, single submitter. Criteria: EGL Classification Definitions 2015. Collection method: clinical testing. Allele origin: germline. Observed: 1 variant allele, 1 heterozygote.

PreventionGenetics, part of Exact Sciences
Classification: Pathogenic for OCA2-related condition. Last evaluated: 2024-09-16. Review status: no assertion criteria provided. Collection method: clinical testing. Allele origin: germline. Not counted in ClinVar's aggregate classification.
Comment: The OCA2 c.2177_2181del5 variant is predicted to result in a frameshift and premature protein termination (p.Val726Glyfs*13). This variant has been reported in a parent of an oculocutaneous albinism (OCA) affected child (child was not available for testing; Spritz et al. 1995. PubMed ID: 7762554, reported as V726-L727delGTCCT) and has also been reported in the compound heterozygous state in a patient with OCA type II (Chan et al. 2021. PubMed ID: 33808351). This variant is reported in 0.024% of alleles in individuals of African descent in gnomAD. Frameshift variants in OCA2 are expected to be pathogenic. This variant is interpreted as pathogenic.

Literature cited by the submitters: PubMed 19865097 (cited by Labcorp Genetics (formerly Invitae), Labcorp); PubMed 21541274 (cited by Labcorp Genetics (formerly Invitae), Labcorp); PubMed 7762554 (cited by Labcorp Genetics (formerly Invitae), Labcorp and Women's Health and Genetics/Laboratory Corporation of America, LabCorp).